The following is an entry in ClinVar:

NM_000379.4(XDH):c.3249C>T (p.Ser1083=)

Gene: XDH (xanthine dehydrogenase; minus strand). Cytogenetic location: 2p23.1.
Variant type: single nucleotide variant.
Coding change: c.3249C>T on transcript NM_000379.4 (MANE Select); coding-DNA position 3249, C replaced by T.
Protein change: p.Ser1083=; no amino-acid change (serine 1083 retained).
Molecular consequence: synonymous variant.
Genome position (GRCh38, 1-based): chr2:31,347,549, G>A on the plus strand (C>T on the coding strand, the complement: XDH is on the minus strand). VCF-style: chr2-31347549-G-A. GRCh37 (hg19) VCF-style: chr2-31570415-G-A.
Identifiers: ClinVar variation 335763 (VCV000335763.14), dbSNP rs45562835, ClinGen allele CA1598489.
Genomic context (GRCh38, chr2:31,347,549, plus strand): 5'-CCTCTGCTCTGCGGGATCCCATGGGCTCCTTACATAGACGGCCTGTCCATTGAGGTCAGC[G>A]CTGACAGAGGCAGCCGTGGGAGAGGTGTTGGGCACAGTGTTAGTGCTTGTCTCGCTGATA-3'
Protein context (NP_000370.2, residues 1073-1093): PNTSPTAASV[Ser1083=]ADLNGQAVYA

ClinVar aggregate classification (germline): Conflicting classifications of pathogenicity. Review status: criteria provided, conflicting classifications (1 of 4 stars). 3 submissions from 3 submitters: Uncertain significance (1); Likely benign (1). 1 of the submissions does not count toward it. Last evaluated 2025-12-17.

Conditions:
Xanthinuria type II. Also called: Xanthine dehydrogenase and aldehyde oxidase combined deficiency of; XDH and AOX dual deficiency. Identifiers: Orphanet 3467, Orphanet 93602, MedGen C1863688, MONDO:0011346, OMIM 603592.
XDH-related disorder. Also called: XDH-related condition.
Hereditary xanthinuria type 1 (XAN1). Identifiers: Orphanet 3467, Orphanet 93601, MedGen C0268118, MONDO:0010209, OMIM 278300.

Allele frequency attached by ClinVar (database versions not stated): TOPMed 0.00011; gnomAD 0.00012 and 0.00015; 1000 Genomes Project 30x 0.00016; ExAC 0.00017; gnomAD exomes 0.00019; 1000 Genomes Project 0.00020.

Submissions (3):

Labcorp Genetics (formerly Invitae), Labcorp
Classification: Likely benign for Xanthinuria type II. Last evaluated: 2025-12-17. Review status: criteria provided, single submitter. Criteria: Invitae Variant Classification Sherloc (09022015). Collection method: clinical testing. Allele origin: germline.

Illumina Laboratory Services, Illumina
Classification: Uncertain significance for Hereditary xanthinuria type 1. Last evaluated: 2018-01-13. Review status: criteria provided, single submitter. Criteria: ICSL Variant Classification Criteria 13 December 2019. Collection method: clinical testing. Allele origin: germline.

PreventionGenetics, part of Exact Sciences
Classification: Likely benign for XDH-related condition. Last evaluated: 2019-06-27. Review status: no assertion criteria provided. Collection method: clinical testing. Allele origin: germline. Not counted in ClinVar's aggregate classification.
Comment: This variant is classified as likely benign based on ACMG/AMP sequence variant interpretation guidelines (Richards et al. 2015 PMID: 25741868, with internal and published modifications).